The following is an entry in ClinVar:

ClinVar aggregate classification (germline): Conflicting classifications of pathogenicity. Review status: criteria provided, conflicting classifications (1 of 4 stars). 7 submissions from 7 submitters: Uncertain significance (1); Benign (2); Likely benign (2). 2 of the submissions do not count toward it. Last evaluated 2026-01-21.

Conditions:
Autosomal dominant optic atrophy classic form (OPA1). Also called: Optic Atrophy Type 1; OPTIC ATROPHY, JUVENILE; KJER-TYPE OPTIC ATROPHY. Identifiers: Orphanet 98673, MedGen C0338508, MONDO:0008134, OMIM 165500.

Allele frequency attached by ClinVar (database versions not stated): ESP Exome Variant Server 0.00008; gnomAD 0.00028 and 0.00036; ExAC 0.00040; TOPMed 0.00055; 1000 Genomes Project 30x 0.00109; 1000 Genomes Project 0.00120.
gnomAD v4.1: 552 of 1,613,824 alleles (0.034%); highest among the groups gnomAD compares: East Asian, 0.93%; 3 homozygotes.

Submissions (7):

Labcorp Genetics (formerly Invitae), Labcorp
Classification: Benign. Last evaluated: 2026-01-21. Review status: criteria provided, single submitter. Criteria: Invitae Variant Classification Sherloc (09022015). Collection method: clinical testing. Allele origin: germline.

Blueprint Genetics
Classification: Likely benign. Last evaluated: 2024-09-12. Review status: criteria provided, single submitter. Criteria: ACMG Guidelines, 2015. Collection method: clinical testing. Allele origin: germline.

GeneDx
Classification: Likely benign. Last evaluated: 2020-10-27. Review status: criteria provided, single submitter. Criteria: GeneDx Variant Classification Process June 2021. Collection method: clinical testing. Allele origin: germline. Affected: yes.
Comment: This variant is associated with the following publications: (PMID: 12842213, 16513463)

Illumina Laboratory Services, Illumina
Classification: Benign for Autosomal dominant optic atrophy classic form. Last evaluated: 2017-04-27. Review status: criteria provided, single submitter. Criteria: ICSL Variant Classification Criteria 13 December 2019. Collection method: clinical testing. Allele origin: germline.
Comment: This variant was observed as part of a predisposition screen in an ostensibly healthy population. A literature search was performed for the gene, cDNA change, and amino acid change (where applicable). Publications were found based on this search. The evidence from the literature, in combination with allele frequency data from public databases where available, was sufficient to rule this variant out of causing disease. Therefore, this variant is classified as benign.

Eurofins Ntd Llc (ga)
Classification: Uncertain significance. Last evaluated: 2014-10-23. Review status: criteria provided, single submitter. Criteria: EGL Classification Definitions 2015. Collection method: clinical testing. Allele origin: germline. Observed: 1 variant allele, 1 heterozygote.

Clinical Genetics DNA and cytogenetics Diagnostics Lab, Erasmus MC, Erasmus Medical Center
Classification: Likely benign. Review status: no assertion criteria provided. Collection method: clinical testing. Allele origin: germline. Affected: yes. Study: VKGL Data-share Consensus. Not counted in ClinVar's aggregate classification.

Clinical Genetics, Academic Medical Center
Classification: Benign. Review status: no assertion criteria provided. Collection method: clinical testing. Allele origin: germline. Affected: yes. Study: VKGL Data-share Consensus. Not counted in ClinVar's aggregate classification.

Literature cited by the submitters: PubMed 12842213 (cited by Illumina Laboratory Services, Illumina); PubMed 16513463 (cited by Illumina Laboratory Services, Illumina); PubMed 23401657 (cited by Illumina Laboratory Services, Illumina).

NM_130837.3(OPA1):c.2088G>A (p.Ala696=)

Gene: OPA1 (OPA1 mitochondrial dynamin like GTPase; plus strand). Cytogenetic location: 3q29.
Variant type: single nucleotide variant.
Coding change: c.2088G>A on transcript NM_130837.3 (MANE Select); coding-DNA position 2088, G replaced by A.
Protein change: p.Ala696=; no amino-acid change (alanine 696 retained).
Molecular consequence: synonymous variant.
Genome position (GRCh38, 1-based): chr3:193,654,937, G>A. VCF-style: chr3-193654937-G-A. GRCh37 (hg19) VCF-style: chr3-193372726-G-A.
Other names: c.1554G>A, p.Ala518= (NM_001354663.2); c.1551G>A, p.Ala517= (NM_001354664.2); c.1923G>A, p.Ala641= (NM_015560.3); c.1815G>A, p.Ala605= (NM_130831.3); c.1869G>A, p.Ala623= (NM_130832.3); c.1926G>A, p.Ala642= (NM_130833.3); c.1977G>A, p.Ala659= (NM_130834.3); c.1980G>A, p.Ala660= (NM_130835.3); and 1 more.
Identifiers: ClinVar variation 195515 (VCV000195515.21), dbSNP rs138114609, ClinGen allele CA241961.